The following is an entry in ClinVar:

NM_003597.5(KLF11):c.679A>G (p.Asn227Asp)

Gene: KLF11 (KLF transcription factor 11; plus strand). Cytogenetic location: 2p25.1.
Variant type: single nucleotide variant.
Coding change: c.679A>G on transcript NM_003597.5 (MANE Select); coding-DNA position 679, A replaced by G.
Protein change: p.Asn227Asp; replaces asparagine 227 with aspartic acid.
Molecular consequence: missense variant.
Genome position (GRCh38, 1-based): chr2:10,048,016, A>G. VCF-style: chr2-10048016-A-G. GRCh37 (hg19) VCF-style: chr2-10188143-A-G.
Other names: c.628A>G, p.Asn210Asp (NM_001177716.2, NM_001177718.2); short protein forms N227D, N210D.
Identifiers: ClinVar variation 330629 (VCV000330629.5), dbSNP rs200561467, ClinGen allele CA1525577.

ClinVar aggregate classification (germline): Likely benign (1 of 4 stars; one submission).

Conditions:
Maturity-onset diabetes of the young type 7 (MODY7). Identifiers: Orphanet 552, MedGen C1864839, MONDO:0012513, OMIM 610508.

Allele frequency attached by ClinVar (database versions not stated): gnomAD exomes 0.00002 and 0.00003; ExAC 0.00003; gnomAD 0.00005 and 0.00006; TOPMed 0.00007; ESP Exome Variant Server 0.00015.
gnomAD v4.1: 51 of 1,614,030 alleles (0.0032%); highest among the groups gnomAD compares: Middle Eastern, 0.033%; no homozygotes.

Submission:

Illumina Laboratory Services, Illumina
Classification: Likely benign for Maturity-onset diabetes of the young type 7. Last evaluated: 2018-01-13. Review status: criteria provided, single submitter. Criteria: ICSL Variant Classification Criteria 13 December 2019. Collection method: clinical testing. Allele origin: germline.
Comment: This variant was observed in the ICSL laboratory as part of a predisposition screen in an ostensibly healthy population. It had not been previously curated by ICSL or reported in the Human Gene Mutation Database (HGMD: prior to June 1st, 2018), and was therefore a candidate for classification through an automated scoring system. Utilizing variant allele frequency, disease prevalence and penetrance estimates, and inheritance mode, an automated score was calculated to assess if this variant is too frequent to cause the disease. Based on the score and internal cut-off values, a variant classified as likely benign is not then subjected to further curation. The score for this variant resulted in a classification of likely benign for this disease.